The following is an entry in ClinVar:

NM_001330078.2(NRXN1):c.79C>A (p.Leu27Met)

Gene: NRXN1 (neurexin 1; minus strand). Cytogenetic location: 2p16.3.
Variant type: single nucleotide variant.
Coding change: c.79C>A on transcript NM_001330078.2 (MANE Select); coding-DNA position 79, C replaced by A.
Protein change: p.Leu27Met; replaces leucine 27 with methionine.
Molecular consequence: missense variant.
Genome position (GRCh38, 1-based): chr2:51,028,195, G>T on the plus strand (C>A on the coding strand, the complement: NRXN1 is on the minus strand). VCF-style: chr2-51028195-G-T. GRCh37 (hg19) VCF-style: chr2-51255333-G-T.
Other names: c.79C>A, p.Leu27Met (NM_001135659.3, NM_001330077.2, NM_001330079.2 and 15 more transcripts); short protein forms L27M.
Identifiers: ClinVar variation 2698914 (VCV002698914.3), dbSNP rs1670916214, ClinGen allele CA346824755.

ClinVar aggregate classification (germline): Uncertain significance (1 of 4 stars; one submission).

Conditions:
Pitt-Hopkins-like syndrome 2 (PTHSL2). Identifiers: Orphanet 221150, Orphanet 600663, MedGen C3280479, MONDO:0013690, OMIM 614325.

Submission:

Labcorp Genetics (formerly Invitae), Labcorp
Classification: Uncertain significance for Pitt-Hopkins-like syndrome 2. Last evaluated: 2023-11-25. Review status: criteria provided, single submitter. Criteria: Invitae Variant Classification Sherloc (09022015). Collection method: clinical testing. Allele origin: germline.
Comment: This sequence change replaces leucine, which is neutral and non-polar, with methionine, which is neutral and non-polar, at codon 27 of the NRXN1 protein (p.Leu27Met). This variant is not present in population databases (gnomAD no frequency). This variant has not been reported in the literature in individuals affected with NRXN1-related conditions. An algorithm developed to predict the effect of missense changes on protein structure and function (PolyPhen-2) suggests that this variant is likely to be tolerated. In summary, the available evidence is currently insufficient to determine the role of this variant in disease. Therefore, it has been classified as a Variant of Uncertain Significance.